The following is an entry in ClinVar:

ClinVar aggregate classification (germline): Pathogenic (1 of 4 stars; one submission).

Conditions:
Primary ciliary dyskinesia. Also called: Ciliary dyskinesia. Identifiers: Orphanet 244, MedGen C0008780, MONDO:0016575, HP:0012265.

Allele frequency attached by ClinVar (database versions not stated): gnomAD exomes below 0.00001.
gnomAD v4.1: 3 of 1,593,052 alleles (0.00019%); highest among the groups gnomAD compares: Non-Finnish European, 0.00026%; no homozygotes.

Submission:

Labcorp Genetics (formerly Invitae), Labcorp
Classification: Pathogenic for Primary ciliary dyskinesia. Last evaluated: 2020-01-02. Review status: criteria provided, single submitter. Criteria: Invitae Variant Classification Sherloc (09022015). Collection method: clinical testing. Allele origin: germline.
Comment: For these reasons, this variant has been classified as Pathogenic. Loss-of-function variants in CCDC39 are known to be pathogenic (PMID: 21131972, 23255504). This variant has not been reported in the literature in individuals with CCDC39-related conditions. This variant is not present in population databases (ExAC no frequency). This sequence change creates a premature translational stop signal (p.Gln165*) in the CCDC39 gene. It is expected to result in an absent or disrupted protein product.

Literature cited by the submitters: PubMed 21131972; PubMed 23255504.

NM_181426.2(CCDC39):c.493C>T (p.Gln165Ter)

Gene: CCDC39 (coiled-coil domain 39 molecular ruler complex subunit; minus strand). Cytogenetic location: 3q26.33.
Variant type: single nucleotide variant.
Coding change: c.493C>T on transcript NM_181426.2 (MANE Select); coding-DNA position 493, C replaced by T.
Protein change: p.Gln165Ter; replaces glutamine 165 with a stop codon.
Molecular consequence: nonsense.
Genome position (GRCh38, 1-based): chr3:180,660,593, G>A on the plus strand (C>T on the coding strand, the complement: CCDC39 is on the minus strand). VCF-style: chr3-180660593-G-A. GRCh37 (hg19) VCF-style: chr3-180378381-G-A.
Other names: short protein forms Q165*.
Identifiers: ClinVar variation 846350 (VCV000846350.8), dbSNP rs1711717951, ClinGen allele CA355303120.
Genomic context (GRCh38, chr3:180,660,593, plus strand): 5'-AGAGAAAACCTAACAGTTACAATTTGTAATTTCTCACCCTGATTTTATTATCATCTTGTT[G>A]TGCATACTTCTGGAGAGTGAGAGCATCACTATCTTTATGAGCTGATTCTTCTAACCAGGC-3'